The following is an entry in ClinVar:

ClinVar aggregate classification (germline): Uncertain significance (1 of 4 stars; one submission).

Conditions:
Arrhythmogenic right ventricular dysplasia 13. Also called: ARRHYTHMOGENIC RIGHT VENTRICULAR CARDIOMYOPATHY 13; Arrhythmogenic right ventricular dysplasia, familial, 13. Identifiers: MedGen C3810138, MONDO:0000908, OMIM 615616.

Allele frequency attached by ClinVar (database versions not stated): gnomAD exomes below 0.00001.

Submission:

Labcorp Genetics (formerly Invitae), Labcorp
Classification: Uncertain significance for Arrhythmogenic right ventricular dysplasia 13. Last evaluated: 2025-10-17. Review status: criteria provided, single submitter. Criteria: Invitae Variant Classification Sherloc (09022015). Collection method: clinical testing. Allele origin: germline.
Comment: This sequence change replaces methionine, which is neutral and non-polar, with valine, which is neutral and non-polar, at codon 145 of the CTNNA3 protein (p.Met145Val). This variant is present in population databases (rs778800601, gnomAD 0.002%). This variant has not been reported in the literature in individuals affected with CTNNA3-related conditions. ClinVar contains an entry for this variant (Variation ID: 1052145). Invitae Evidence Modeling of protein sequence and biophysical properties (such as structural, functional, and spatial information, amino acid conservation, physicochemical variation, residue mobility, and thermodynamic stability) indicates that this missense variant is not expected to disrupt CTNNA3 protein function with a negative predictive value of 80%. In summary, the available evidence is currently insufficient to determine the role of this variant in disease. Therefore, it has been classified as a Variant of Uncertain Significance.

NM_013266.4(CTNNA3):c.433A>G (p.Met145Val)

Gene: CTNNA3 (catenin alpha 3; minus strand). Cytogenetic location: 10q21.3.
Variant type: single nucleotide variant.
Coding change: c.433A>G on transcript NM_013266.4 (MANE Select); coding-DNA position 433, A replaced by G.
Protein change: p.Met145Val; replaces methionine 145 with valine.
Molecular consequence: missense variant.
Genome position (GRCh38, 1-based): chr10:67,539,529, T>C on the plus strand (A>G on the coding strand, the complement: CTNNA3 is on the minus strand). VCF-style: chr10-67539529-T-C. GRCh37 (hg19) VCF-style: chr10-69299287-T-C.
Other names: c.433A>G, p.Met145Val (NM_001127384.3); c.469A>G, p.Met157Val (NM_001291133.2); short protein forms M145V, M157V.
Identifiers: ClinVar variation 1052145 (VCV001052145.10), dbSNP rs778800601, ClinGen allele CA5520623.